The following is an entry in ClinVar:

NM_000455.5(STK11):c.1017G>A (p.Pro339=)

Genes: STK11 (serine/threonine kinase 11; plus strand), LOC130062899 (ATAC-STARR-seq lymphoblastoid active region 13597; plus strand). Cytogenetic location: 19p13.3.
Variant type: single nucleotide variant.
Coding change: c.1017G>A on transcript NM_000455.5 (MANE Select); coding-DNA position 1017, G replaced by A.
Protein change: p.Pro339=; no amino-acid change (proline 339 retained).
Molecular consequence: synonymous variant.
Genome position (GRCh38, 1-based): chr19:1,223,081, G>A. VCF-style: chr19-1223081-G-A. GRCh37 (hg19) VCF-style: chr19-1223080-G-A.
Identifiers: ClinVar variation 233233 (VCV000233233.25), dbSNP rs773049570, ClinGen allele CA044714.
Genomic context (GRCh38, chr19:1,223,081, plus strand): 5'-AGTGCCCATCCCACCGAGCCCAGACACCAAGGACCGGTGGCGCAGCATGACTGTGGTGCC[G>A]TACTTGGAGGACCTGCACGGCGCGGACGAGGACGAGGACCTCTTCGACATCGAGGATGAC-3'
Protein context (NP_000446.1, residues 329-349): KDRWRSMTVV[Pro339=]YLEDLHGADE

ClinVar aggregate classification (germline): Benign/Likely benign. Review status: criteria provided, multiple submitters, no conflicts (2 of 4 stars). 9 submissions from 9 submitters: Benign (1); Likely benign (8). Last evaluated 2026-01-28.

Conditions:
STK11-related disorder. Also called: STK11-related condition.
Hereditary cancer-predisposing syndrome. Also called: Neoplastic Syndromes, Hereditary; Tumor predisposition; Hereditary Cancer Syndrome; Hereditary neoplastic syndrome. Identifiers: Orphanet 140162, MedGen C0027672, MeSH D009386, MONDO:0015356.
Peutz-Jeghers syndrome (PJS). Also called: Peutz-Jeghers polyposis; Periorificial lentiginosis syndrome; POLYPOSIS, HAMARTOMATOUS INTESTINAL; POLYPS-AND-SPOTS SYNDROME. Identifiers: Orphanet 2869, MedGen C0031269, MeSH D010580, MONDO:0008280, OMIM 175200.

Allele frequency attached by ClinVar (database versions not stated): gnomAD 0.00001; gnomAD exomes 0.00001 and 0.00003; TOPMed 0.00001; ExAC 0.00006.
gnomAD v4.1: 15 of 1,609,122 alleles (0.00093%); highest among the groups gnomAD compares: East Asian, 0.013%; no homozygotes.

Submissions (9):

Labcorp Genetics (formerly Invitae), Labcorp
Classification: Likely benign for Peutz-Jeghers syndrome. Last evaluated: 2026-01-28. Review status: criteria provided, single submitter. Criteria: Invitae Variant Classification Sherloc (09022015). Collection method: clinical testing. Allele origin: germline.

PreventionGenetics, part of Exact Sciences
Classification: Likely benign for STK11-related condition. Last evaluated: 2025-12-09. Review status: criteria provided, single submitter. Criteria: ACMG Guidelines, 2015. Collection method: clinical testing. Allele origin: germline.
Comment: This variant is classified as likely benign based on ACMG/AMP sequence variant interpretation guidelines (Richards et al. 2015 PMID: 25741868, with internal and published modifications).

Myriad Genetics, Inc.
Classification: Benign for Peutz-Jeghers syndrome. Last evaluated: 2025-03-28. Review status: criteria provided, single submitter. Criteria: Myriad Autosomal Dominant, Autosomal Recessive and X-Linked Classification Criteria (2023). Collection method: clinical testing. Allele origin: unknown.
Comment: This variant is considered benign. This variant is a silent/synonymous amino acid change and it is not expected to impact splicing.

All of Us Research Program, National Institutes of Health
Classification: Likely benign for Peutz-Jeghers syndrome. Last evaluated: 2024-08-23. Review status: criteria provided, single submitter. Criteria: ACMG Guidelines, 2015. Collection method: clinical testing. Allele origin: germline. Inheritance: Autosomal dominant inheritance. Observed: 7 variant alleles, 7 heterozygotes.
Comment: This study involves interpretation of variants in research participants for the purpose of population health screening. Participant phenotype was not available at the time of variant classification. Additional details can be found in publication PMID: 35346344, PMCID: PMC8962531

Department of Pathology and Laboratory Medicine, Sinai Health System
Classification: Likely benign for Peutz-Jeghers syndrome. Last evaluated: 2022-06-20. Review status: criteria provided, single submitter. Criteria: ACMG Guidelines, 2015. Collection method: clinical testing. Allele origin: germline. Affected: yes.

Sema4
Classification: Likely benign for Hereditary cancer-predisposing syndrome. Last evaluated: 2021-08-17. Review status: criteria provided, single submitter. Criteria: Sema4 Curation Guidelines. Collection method: curation. Allele origin: germline.

GeneDx
Classification: Likely benign. Last evaluated: 2019-10-14. Review status: criteria provided, single submitter. Criteria: GeneDx Variant Classification Process June 2021. Collection method: clinical testing. Allele origin: germline. Affected: yes.

Color Diagnostics, LLC DBA Color Health
Classification: Likely benign for Hereditary cancer-predisposing syndrome. Last evaluated: 2016-05-29. Review status: criteria provided, single submitter. Criteria: ACMG Guidelines, 2015. Collection method: clinical testing. Allele origin: germline.

Ambry Genetics
Classification: Likely benign for Hereditary cancer-predisposing syndrome. Last evaluated: 2015-08-05. Review status: criteria provided, single submitter. Criteria: Ambry Variant Classification Scheme 2023. Collection method: clinical testing. Allele origin: germline.